The following is an entry in ClinVar:

ClinVar aggregate classification (germline): Uncertain significance (1 of 4 stars; one submission).

Conditions:
Inborn genetic diseases. Identifiers: MedGen C0950123, MeSH D030342.

gnomAD v4.1: 1 of 1,598,304 alleles (0.000063%); highest among the groups gnomAD compares: Non-Finnish European, 0.000086%; no homozygotes.

Submission:

Ambry Genetics
Classification: Uncertain significance for Inborn genetic diseases. Last evaluated: 2025-01-01. Review status: criteria provided, single submitter. Criteria: Ambry Variant Classification Scheme 2023. Collection method: clinical testing. Allele origin: germline.
Comment: The p.N110S variant (also known as c.329A>G), located in coding exon 3 of the BMPR2 gene, results from an A to G substitution at nucleotide position 329. The asparagine at codon 110 is replaced by serine, an amino acid with highly similar properties. This amino acid position is conserved. In addition, the in silico prediction for this alteration is inconclusive. Based on the available evidence, the clinical significance of this variant remains unclear.

NM_001204.7(BMPR2):c.329A>G (p.Asn110Ser)

Gene: BMPR2 (bone morphogenetic protein receptor type 2; plus strand). Cytogenetic location: 2q33.1.
Variant type: single nucleotide variant.
Coding change: c.329A>G on transcript NM_001204.7 (MANE Select); coding-DNA position 329, A replaced by G.
Protein change: p.Asn110Ser; replaces asparagine 110 with serine.
Molecular consequence: missense variant.
Genome position (GRCh38, 1-based): chr2:202,467,600, A>G. VCF-style: chr2-202467600-A-G. GRCh37 (hg19) VCF-style: chr2-203332323-A-G.
Other names: short protein forms N110S.
Identifiers: ClinVar variation 3824799 (VCV003824799.1).